The following is an entry in ClinVar:

NM_003872.3(NRP2):c.810G>A (p.Glu270=)

Gene: NRP2 (neuropilin 2; plus strand). Cytogenetic location: 2q33.3.
Variant type: single nucleotide variant.
Coding change: c.810G>A on transcript NM_003872.3 (MANE Select); coding-DNA position 810, G replaced by A.
Protein change: p.Glu270=; no amino-acid change (glutamic acid 270 retained).
Molecular consequence: synonymous variant.
Genome position (GRCh38, 1-based): chr2:205,723,930, G>A. VCF-style: chr2-205723930-G-A. GRCh37 (hg19) VCF-style: chr2-206588654-G-A.
Other names: c.810G>A, p.Glu270= (NM_018534.4, NM_201264.2, NM_201266.2 and 2 more transcripts).
Identifiers: ClinVar variation 3054330 (VCV003054330.2), dbSNP rs200740591, ClinGen allele CA2068912.

ClinVar aggregate classification (germline): Likely benign (0 of 4 stars; one submission).

Conditions:
NRP2-related disorder. Also called: NRP2-related condition.

Allele frequency attached by ClinVar (database versions not stated): gnomAD 0.00001; TOPMed 0.00001; gnomAD exomes 0.00007; ExAC 0.00015; 1000 Genomes Project 30x 0.00016; 1000 Genomes Project 0.00020.
gnomAD v4.1: 108 of 1,614,146 alleles (0.0067%); highest among the groups gnomAD compares: South Asian, 0.12%; 2 homozygotes.

Submission:

PreventionGenetics, part of Exact Sciences
Classification: Likely benign for NRP2-related condition. Last evaluated: 2023-12-07. Review status: no assertion criteria provided. Collection method: clinical testing. Allele origin: germline.
Comment: This variant is classified as likely benign based on ACMG/AMP sequence variant interpretation guidelines (Richards et al. 2015 PMID: 25741868, with internal and published modifications).